The following is an entry in ClinVar:

NM_004168.4(SDHA):c.1631_1647del (p.Gly544fs)

Gene: SDHA (succinate dehydrogenase complex flavoprotein subunit A; plus strand). Cytogenetic location: 5p15.33.
Variant type: Deletion.
Coding change: c.1631_1647del on transcript NM_004168.4 (MANE Select); coding-DNA positions 1631 to 1647, 17 bases deleted (GAGACCTAAAGCACCTG).
Protein change: p.Gly544fs; shifts the reading frame from glycine 544.
Molecular consequence: frameshift variant. On other transcripts: intron variant (1).
Genome position (GRCh38, 1-based): chr5:251,071-251,087, GAGACCTAAAGCACCTG deleted; deleting any 17 consecutive bases within chr5:251,069-251,087 gives the same sequence; the c. name uses the placement nearest the transcript's 3' end. VCF-style (leftmost placement, unchanged base first): chr5-251068-ATGGAGACCTAAAGCACC-A. GRCh37 (hg19) VCF-style: chr5-251183-ATGGAGACCTAAAGCACC-A.
Other names: c.1487_1503del, p.Gly496fs (NM_001294332.2); c.1552-3322_1552-3306del (NM_001330758.2); short protein forms G496fs, G544fs.
Identifiers: ClinVar variation 3075911 (VCV003075911.1), dbSNP rs2477455174, ClinGen allele CA2825001406.

ClinVar aggregate classification (germline): Likely pathogenic (1 of 4 stars; one submission).

Conditions:
Hereditary pheochromocytoma and paraganglioma. Also called: Hereditary pheochromocytoma-paraganglioma; Hereditary Paraganglioma-Pheochromocytoma Syndromes; Hereditary paragangliomas and pheochromocytomas. Identifiers: Orphanet 29072, MedGen C4274332, MONDO:0017366.

Submission:

Laboratory for Molecular Medicine, Mass General Brigham Personalized Medicine
Classification: Likely pathogenic for Hereditary pheochromocytoma and paraganglioma. Last evaluated: 2022-11-03. Review status: criteria provided, single submitter. Criteria: ACMG Guidelines, 2015. Collection method: clinical testing. Allele origin: germline.
Comment: The p.Gly544GlufsX53 variant in SDHA has not been reported in individuals with SDHA-related disorders and was absent from large population studies. This variant is predicted to cause a frameshift, which alters the protein’s amino acid sequence beginning at position 544 and leads to a premature termination codon 53 amino acids downstream. This alteration is then predicted to lead to a truncated or absent protein. Loss of function of the SDHA gene is an established disease mechanism in autosomal dominant hereditary pheochromocytoma-paraganglioma. In summary, although additional studies are required to fully establish its clinical significance, this variant meets criteria to be classified as likely pathogenic for autosomal dominant hereditary pheochromocytoma-paraganglioma. ACMG/AMP Criteria applied: PM2_supporting, PVS1.